The following is an entry in ClinVar:

ClinVar aggregate classification (germline): Uncertain significance (1 of 4 stars; one submission).

Conditions:
Epidermolysis bullosa simplex 5B, with muscular dystrophy (EBS5B). Also called: Epidermolysis bullosa simplex with muscular dystrophy; EPIDERMOLYSIS BULLOSA SIMPLEX AND LIMB-GIRDLE MUSCULAR DYSTROPHY. Identifiers: Orphanet 257, MedGen C2931072, MONDO:0009181, OMIM 226670.
Epidermolysis bullosa simplex 5C, with pyloric atresia (EBS5C). Also called: Epidermolysis bullosa simplex with pyloric atresia; PLEC-Related Epidermolysis Bullosa with Pyloric Atresia; PLEC1-Related Epidermolysis Bullosa with Pyloric Atresia. Identifiers: Orphanet 158684, MedGen C2677349, MONDO:0012807, OMIM 612138.
Epidermolysis bullosa simplex with nail dystrophy (EBS5D). Identifiers: MedGen C4225309, MONDO:0014661, OMIM 616487.
Autosomal recessive limb-girdle muscular dystrophy type 2Q (LGMDR17). Also called: MUSCULAR DYSTROPHY, LIMB-GIRDLE, AUTOSOMAL RECESSIVE 17. Identifiers: Orphanet 254361, MedGen C3150989, MONDO:0013390, OMIM 613723.
Epidermolysis bullosa simplex, Ogna type (EBS5A). Also called: Pidermolysis bullosa simplex 5A, Ogna type; EPIDERMOLYSIS BULLOSA SIMPLEX 5A, OGNA TYPE. Identifiers: Orphanet 79401, MedGen C0432317, MONDO:0007555, OMIM 131950.

Allele frequency attached by ClinVar (database versions not stated): gnomAD exomes below 0.00001; TOPMed below 0.00001; gnomAD 0.00001.
gnomAD v4.1: 1 of 1,612,890 alleles (0.000062%); highest among the groups gnomAD compares: Non-Finnish European, 0.000085%; no homozygotes.

Submission:

Labcorp Genetics (formerly Invitae), Labcorp
Classification: Uncertain significance for Autosomal recessive limb-girdle muscular dystrophy type 2Q; Epidermolysis bullosa simplex, Ogna type; Epidermolysis bullosa simplex with nail dystrophy; Epidermolysis bullosa simplex 5C, with pyloric atresia; Epidermolysis bullosa simplex 5B, with muscular dystrophy. Last evaluated: 2021-06-07. Review status: criteria provided, single submitter. Criteria: Invitae Variant Classification Sherloc (09022015). Collection method: clinical testing. Allele origin: germline.
Comment: In summary, the available evidence is currently insufficient to determine the role of this variant in disease. Therefore, it has been classified as a Variant of Uncertain Significance. This sequence change replaces lysine with asparagine at codon 352 of the PLEC protein (p.Lys352Asn). The lysine residue is highly conserved and there is a moderate physicochemical difference between lysine and asparagine. This variant is not present in population databases (ExAC no frequency). This variant has not been reported in the literature in individuals with PLEC-related conditions. Algorithms developed to predict the effect of missense changes on protein structure and function are either unavailable or do not agree on the potential impact of this missense change (SIFT: "Deleterious"; PolyPhen-2: "Not Available"; Align-GVGD: "Class C0").

NM_201384.3(PLEC):c.975G>T (p.Lys325Asn)

Gene: PLEC (plectin; minus strand). Cytogenetic location: 8q24.3.
Variant type: single nucleotide variant.
Coding change: c.975G>T on transcript NM_201384.3 (MANE Select); coding-DNA position 975, G replaced by T.
Protein change: p.Lys325Asn; replaces lysine 325 with asparagine.
Molecular consequence: missense variant.
Genome position (GRCh38, 1-based): chr8:143,934,701, C>A on the plus strand (G>T on the coding strand, the complement: PLEC is on the minus strand). VCF-style: chr8-143934701-C-A. GRCh37 (hg19) VCF-style: chr8-145008869-C-A.
Other names: c.1056G>T, p.Lys352Asn (NM_000445.5); c.933G>T, p.Lys311Asn (NM_201378.4); c.909G>T, p.Lys303Asn (NM_201379.3); c.1386G>T, p.Lys462Asn (NM_201380.4); c.879G>T, p.Lys293Asn (NM_201381.3); c.975G>T, p.Lys325Asn (NM_201382.4); c.987G>T, p.Lys329Asn (NM_201383.3); short protein forms K329N, K293N, K303N, K311N, K325N, K352N, K462N.
Identifiers: ClinVar variation 1357784 (VCV001357784.8), dbSNP rs1828492173, ClinGen allele CA372585599.
Genomic context (GRCh38, chr8:143,934,701, plus strand): 5'-GGATTGGTAGATGCCCTTGGACCTGTTCTTGTCGGCCTCCTTGGCTGGTAGCTCCATCTC[C>A]TTAAACTTCAGGAACTGAGACCACAGGATCTGCCAGGGACGAGGCTGTCGGCAACCACGC-3'
Protein context (NP_958786.1, residues 315-335): EILWSQFLKF[Lys325Asn]EMELPAKEAD